The following is an entry in ClinVar:

ClinVar aggregate classification (germline): Likely benign (1 of 4 stars; one submission).

gnomAD v4.1: 33 of 1,550,514 alleles (0.0021%); highest among the groups gnomAD compares: Admixed American, 0.063%; no homozygotes.

Submission:

CeGaT Center for Human Genetics Tuebingen
Classification: Likely benign. Last evaluated: 2025-11-01. Review status: criteria provided, single submitter. Criteria: CeGaT Center For Human Genetics Tuebingen Variant Classification Criteria Version 2. Collection method: clinical testing. Allele origin: germline. Affected: yes. Observed: 1 variant allele.
Comment: SAMD8: BP4, BP7

NM_001174156.2(SAMD8):c.1128G>A (p.Arg376=)

Gene: SAMD8 (sterile alpha motif domain containing 8; plus strand). Cytogenetic location: 10q22.2.
Variant type: single nucleotide variant.
Coding change: c.1128G>A on transcript NM_001174156.2 (MANE Select); coding-DNA position 1128, G replaced by A.
Protein change: p.Arg376=; no amino-acid change (arginine 376 retained).
Molecular consequence: synonymous variant. On other transcripts: 3 prime UTR variant (1).
Genome position (GRCh38, 1-based): chr10:75,176,572, G>A. VCF-style: chr10-75176572-G-A. GRCh37 (hg19) VCF-style: chr10-76936330-G-A.
Other names: c.*318G>A (NM_144660.3).
Identifiers: ClinVar variation 4534777 (VCV004534777.6).
Genomic context (GRCh38, chr10:75,176,572, plus strand): 5'-AACAAGACTCTTTTTGTACTACCATACTCTGGCCAATACCAGAGCATATCAGCAGAGTAG[G>A]AGAGCAAGGATTTGGTTTCCCATGTTCTCTTTTTTTGAATGCAATGTTAATGGCACAGTA-3'
Protein context (NP_001167627.1, residues 366-386): LANTRAYQQS[Arg376=]RARIWFPMFS